The following is an entry in ClinVar:

NM_000179.3(MSH6):c.1196C>T (p.Pro399Leu)

Gene: MSH6 (mutS homolog 6; plus strand). Cytogenetic location: 2p16.3.
Variant type: single nucleotide variant.
Coding change: c.1196C>T on transcript NM_000179.3 (MANE Select); coding-DNA position 1196, C replaced by T.
Protein change: p.Pro399Leu; replaces proline 399 with leucine.
Molecular consequence: missense variant.
Genome position (GRCh38, 1-based): chr2:47,799,179, C>T. VCF-style: chr2-47799179-C-T. GRCh37 (hg19) VCF-style: chr2-48026318-C-T.
Other names: c.806C>T, p.Pro269Leu (NM_001281492.2); c.290C>T, p.Pro97Leu (NM_001281493.2, NM_001281494.2); short protein forms P399L, P97L, P269L.
Identifiers: ClinVar variation 237130 (VCV000237130.11), dbSNP rs878853701, ClinGen allele CA10582045.

ClinVar aggregate classification (germline): Uncertain significance. Review status: criteria provided, multiple submitters, no conflicts (2 of 4 stars). 3 submissions from 3 submitters: Uncertain significance (2). 1 of the submissions does not count toward it. Last evaluated 2024-01-23.

Conditions:
Carcinoma of colon (CRC). Also called: Colon carcinoma; Colonic carcinoma. Identifiers: MedGen C0699790, MONDO:0002032.
Hereditary nonpolyposis colorectal neoplasms. Identifiers: MedGen C0009405, MeSH D003123.
Hereditary cancer-predisposing syndrome. Also called: Hereditary neoplastic syndrome; Tumor predisposition; Neoplastic Syndromes, Hereditary; Hereditary Cancer Syndrome. Identifiers: Orphanet 140162, MedGen C0027672, MeSH D009386, MONDO:0015356.

Allele frequency attached by ClinVar (database versions not stated): gnomAD exomes below 0.00001.
gnomAD v4.1: 2 of 1,614,144 alleles (0.00012%); highest among the groups gnomAD compares: Non-Finnish European, 0.00017%; no homozygotes.

Submissions (3):

Ambry Genetics
Classification: Uncertain significance for Hereditary cancer-predisposing syndrome. Last evaluated: 2024-01-23. Review status: criteria provided, single submitter. Criteria: Ambry Variant Classification Scheme 2023. Collection method: clinical testing. Allele origin: germline.
Comment: The p.P399L variant (also known as c.1196C>T), located in coding exon 4 of the MSH6 gene, results from a C to T substitution at nucleotide position 1196. The proline at codon 399 is replaced by leucine, an amino acid with similar properties. In addition, immunohistochemistry performed on non-neoplastic cells showed loss of MSH6 expression and a co-occurring variant in MSH6 (p.C687W) was also identified (Guerrini-Rousseau L et al. Neurooncol Adv Dec;1:vdz033; Suerink M et al. Genet Med, 2019 12;21:2706-2712). This amino acid position is highly conserved in available vertebrate species. In addition, this alteration is predicted to be deleterious by in silico analysis. Based on the available evidence, the clinical significance of this alteration remains unclear.

Labcorp Genetics (formerly Invitae), Labcorp
Classification: Uncertain significance for Hereditary nonpolyposis colorectal neoplasms. Last evaluated: 2022-12-06. Review status: criteria provided, single submitter. Criteria: Invitae Variant Classification Sherloc (09022015). Collection method: clinical testing. Allele origin: germline.
Comment: In summary, the available evidence is currently insufficient to determine the role of this variant in disease. Therefore, it has been classified as a Variant of Uncertain Significance. Algorithms developed to predict the effect of missense changes on protein structure and function (SIFT, PolyPhen-2, Align-GVGD) all suggest that this variant is likely to be disruptive. ClinVar contains an entry for this variant (Variation ID: 237130). This variant has not been reported in the literature in individuals affected with MSH6-related conditions. This variant is not present in population databases (gnomAD no frequency). This sequence change replaces proline, which is neutral and non-polar, with leucine, which is neutral and non-polar, at codon 399 of the MSH6 protein (p.Pro399Leu).

Department of Pathology and Laboratory Medicine, Sinai Health System
Classification: Uncertain significance for Carcinoma of colon. Review status: no assertion criteria provided. Collection method: clinical testing. Allele origin: unknown. Affected: yes. Study: The Canadian Open Genetics Repository (COGR). Not counted in ClinVar's aggregate classification.
Comment: The MSH6 p.Pro399Leu variant was not identified in the literature nor was it identified in the COGR, MutDB, UMD-LSDB, Zhejiang Colon Cancer Database, Mismatch Repair Genes Variant, and Insight Hereditary Tumors databases. The variant was identified in dbSNP (ID: rs878853701) as with uncertain significance allele; in the ClinVar and Clinvitae databases as uncertain significance by Invitae, and in the Cosmic database 2X as Pathogenic. The variant was not identified in the following control databases: the 1000 Genomes Project, the NHLBI GO Exome Sequencing Project, the Exome Aggregation Consortium (August 8th 2016), or the Genome Aggregation Database (Feb 27, 2017). The p.Pro399 residue is conserved across mammals and other organisms, and computational analyses (PolyPhen-2, SIFT, AlignGVGD, BLOSUM, MutationTaster) suggest that the variant may impact the protein; however, this information is not predictive enough to assume pathogenicity. The variant occurs outside of the splicing consensus sequence and in silico or computational prediction software programs (SpliceSiteFinder, MaxEntScan, NNSPLICE, GeneSplicer, HumanSpliceFinder) do not predict a difference in splicing. In summary, based on the above information the clinical significance of this variant cannot be determined with certainty at this time. This variant is classified as a variant of uncertain significance.

Literature cited by the submitters: PubMed 31204389 (cited by Ambry Genetics); PubMed 32642664 (cited by Ambry Genetics).